The following is an entry in ClinVar:

NC_000006.11:g.(?_76527265)_(76782205_?)dup

Genes: IMPG1 (interphotoreceptor matrix proteoglycan 1; minus strand), MYO6 (myosin VI; plus strand). Cytogenetic location: 6q14.1.
Variant type: Duplication.
Identifiers: ClinVar variation 3246190 (VCV003246190.1).

ClinVar aggregate classification (germline): Uncertain significance (1 of 4 stars; one submission).

Submission:

Labcorp Genetics (formerly Invitae), Labcorp
Classification: Uncertain significance. Last evaluated: 2023-02-25. Review status: criteria provided, single submitter. Criteria: Invitae Variant Classification Sherloc (09022015). Collection method: clinical testing. Allele origin: unknown.
Comment: A copy number gain of the genomic region encompassing the full coding sequence of the MYO6 gene has been identified. The boundaries of this event are unknown as they extend beyond the assayed region for this gene and therefore may encompass additional genes. As the precise location of this event is unknown, it may be in tandem or it may be located elsewhere in the genome. Isolated whole-gene copy number gains of MYO6 have not been reported in the literature. However, larger copy number events that include this gene have been reported (PMID: 31785455). In summary, the available evidence is currently insufficient to determine the role of this variant in disease. Therefore, it has been classified as a Variant of Uncertain Significance.

Literature cited by the submitters: PubMed 31785455.